The following is an entry in ClinVar:

NM_001244008.2(KIF1A):c.1610A>G (p.Asp537Gly)

Gene: KIF1A (kinesin family member 1A; minus strand). Cytogenetic location: 2q37.3.
Variant type: single nucleotide variant.
Coding change: c.1610A>G on transcript NM_001244008.2 (MANE Select); coding-DNA position 1610, A replaced by G.
Protein change: p.Asp537Gly; replaces aspartic acid 537 with glycine.
Molecular consequence: missense variant.
Genome position (GRCh38, 1-based): chr2:240,766,989, T>C on the plus strand (A>G on the coding strand, the complement: KIF1A is on the minus strand). VCF-style: chr2-240766989-T-C. GRCh37 (hg19) VCF-style: chr2-241706406-T-C.
Other names: c.1610A>G, p.Asp537Gly (NM_001320705.2, NM_001330289.2, NM_001379638.1); c.1685A>G, p.Asp562Gly (NM_001330290.2, NM_001379631.1, NM_001379634.1 and 2 more transcripts); c.1583A>G, p.Asp528Gly (NM_001379632.1, NM_001379633.1, NM_001379636.1 and 11 more transcripts); c.1658A>G, p.Asp553Gly (NM_001379637.1, NM_001379648.1); short protein forms D528G, D537G, D553G, D562G.
Identifiers: ClinVar variation 2949186 (VCV002949186.3), dbSNP rs2537763473, ClinGen allele CA351328230.
Genomic context (GRCh38, chr2:240,766,989, plus strand): 5'-CTGGAGTCGCTCCGGAAGACGCAGTGCTCCTCCTTGATGAAGTGCCCACTCAGAACAATG[T>C]CCTGCCGCCTCTCGCCATCCTCCCTGCCCACTCTGCGGGGTGGGGGCACCATCAGCACGG-3'
Protein context (NP_001230937.1, residues 527-547): VGREDGERRQ[Asp537Gly]IVLSGHFIKE

ClinVar aggregate classification (germline): Uncertain significance (1 of 4 stars; one submission).

Conditions:
Neuropathy, hereditary sensory, type 2C. Also called: KIF1A-Related HSAN2 (HSAN2C); Hereditary sensory and autonomic neuropathy type IIC. Identifiers: Orphanet 970, MedGen C3280168, MONDO:0013634, OMIM 614213.
Hereditary spastic paraplegia 30. Identifiers: Orphanet 101010, MedGen C5235139, MONDO:0012476.
Intellectual disability, autosomal dominant 9 (NESCAVS). Also called: NESCAV SYNDROME; KIF1A-Related Neurodevelopmental Disorder. Identifiers: Orphanet 662367, MedGen C5393830, MONDO:0013656, OMIM 614255.

Submission:

Labcorp Genetics (formerly Invitae), Labcorp
Classification: Uncertain significance for Hereditary spastic paraplegia 30; Neuropathy, hereditary sensory, type 2C; Intellectual disability, autosomal dominant 9. Last evaluated: 2023-06-27. Review status: criteria provided, single submitter. Criteria: Invitae Variant Classification Sherloc (09022015). Collection method: clinical testing. Allele origin: germline.
Comment: This sequence change replaces aspartic acid, which is acidic and polar, with glycine, which is neutral and non-polar, at codon 528 of the KIF1A protein (p.Asp528Gly). This variant is not present in population databases (gnomAD no frequency). This variant has not been reported in the literature in individuals affected with KIF1A-related conditions. Advanced modeling of protein sequence and biophysical properties (such as structural, functional, and spatial information, amino acid conservation, physicochemical variation, residue mobility, and thermodynamic stability) performed at Invitae indicates that this missense variant is expected to disrupt KIF1A protein function. In summary, the available evidence is currently insufficient to determine the role of this variant in disease. Therefore, it has been classified as a Variant of Uncertain Significance.